The following is an entry in ClinVar:

ClinVar aggregate classification (germline): Pathogenic/Likely pathogenic. Review status: criteria provided, multiple submitters, no conflicts (2 of 4 stars). 2 submissions from 2 submitters: Pathogenic (1); Likely pathogenic (1). Last evaluated 2026-07-07.

Conditions:
Polycystic kidney disease, adult type (PKD1). Also called: POLYCYSTIC KIDNEY DISEASE, ADULT, TYPE I; POLYCYSTIC KIDNEY DISEASE 1 WITH OR WITHOUT POLYCYSTIC LIVER DISEASE; Polycystic Kidney Disease 1, Autosomal Dominant; Polycystic kidney disease 1; Polycystic kidney disease 1, severe; Polycystic Kidney, Autosomal Dominant. Identifiers: MedGen C3149841, MONDO:0008263, OMIM 173900.

Submissions (2):

Medgenome Labs Ltd
Classification: Likely pathogenic for Polycystic kidney disease, adult type. Last evaluated: 2026-07-07. Review status: criteria provided, single submitter. Criteria: ACMG Guidelines, 2015. Collection method: clinical testing. Allele origin: germline. Affected: yes.

Victorian Clinical Genetics Services, Murdoch Childrens Research Institute
Classification: Pathogenic for Polycystic kidney disease, adult type. Last evaluated: 2022-03-31. Review status: criteria provided, single submitter. Criteria: ACMG Guidelines, 2015. Collection method: clinical testing. Allele origin: germline. Inheritance: Autosomal dominant inheritance. Affected: yes.
Comment: Based on the classification scheme VCGS_Germline_v1.3.4, this variant is classified as Pathogenic. Following criteria are met: 0102 - Loss of function is a known mechanism of disease in this gene and is associated with polycystic kidney disease 1 (MIM#173900). (I) 0107 - This gene is associated with autosomal dominant disease. Polycystic kidney disease 1 (MIM#173900) is predominantly caused by monoallelic variants, with rare reports of biallelic variants causing disease (OMIM). (I) 0201 - Variant is predicted to cause nonsense-mediated decay (NMD) and loss of protein (premature termination codon is located at least 54 nucleotides upstream of the final exon-exon junction). (SP) 0251 - This variant is heterozygous. (I) 0301 - Variant is absent from gnomAD (both v2 and v3). (SP) 0701 - Other NMD predicted variants comparable to the one identified in this case have very strong previous evidence for pathogenicity (DECIPHER). (SP) 0807 - This variant has no previous evidence of pathogenicity. (I) 0905 - No published segregation evidence has been identified for this variant. (I) 1007 - No published functional evidence has been identified for this variant. (I) 1208 - Inheritance information for this variant is not currently available in this individual. (I) Legend: (SP) - Supporting pathogenic, (I) - Information, (SB) - Supporting benign

NM_001009944.3(PKD1):c.6115del (p.Gln2039fs)

Gene: PKD1 (polycystin 1, transient receptor potential channel interacting; minus strand). Cytogenetic location: 16p13.3.
Variant type: Deletion.
Coding change: c.6115del on transcript NM_001009944.3 (MANE Select); coding-DNA position 6115, one base deleted (C; older notation c.6115delC).
Protein change: p.Gln2039fs; shifts the reading frame from glutamine 2039.
Molecular consequence: frameshift variant.
Genome position (GRCh38, 1-based): chr16:2,109,052, G deleted on the plus strand (C on the coding strand, the reverse complement: PKD1 is on the minus strand); the first of 2 consecutive G bases (chr16:2,109,052-2,109,053); deleting either gives the same sequence. VCF-style (leftmost placement, unchanged base first): chr16-2109051-TG-T. GRCh37 (hg19) VCF-style: chr16-2159052-TG-T.
Other names: c.6115delC (NM_001009944.2); c.6115del, p.Gln2039fs (NM_000296.4); short protein forms Q2039fs.
Identifiers: ClinVar variation 1805449 (VCV001805449.2), dbSNP rs2544805834, ClinGen allele CA2573102936.